The following is an entry in ClinVar:

NM_001385682.1(MAP4):c.*44G>A

Gene: MAP4 (microtubule associated protein 4; minus strand). Cytogenetic location: 3p21.31.
Variant type: single nucleotide variant.
Coding change: c.*44G>A on transcript NM_001385682.1 (MANE Select); 44 bases downstream of the stop codon, G replaced by A.
Molecular consequence: 3 prime UTR variant. On other transcripts: missense variant (3).
Genome position (GRCh38, 1-based): chr3:47,852,890, C>T on the plus strand (G>A on the coding strand, the complement: MAP4 is on the minus strand). VCF-style: chr3-47852890-C-T. GRCh37 (hg19) VCF-style: chr3-47894380-C-T.
Other names: c.3310G>A, p.Asp1104Asn (NM_001134364.2); c.*142G>A (NM_001384675.1, NM_001384677.1, NM_001384678.1 and 77 more transcripts); c.*44G>A (NM_001384676.1, NM_001384680.1, NM_001384707.1 and 53 more transcripts); c.3187G>A, p.Asp1063Asn (NM_001384681.1); c.3265G>A, p.Asp1089Asn (NM_001384756.1); short protein forms D1063N, D1089N, D1104N.
Identifiers: ClinVar variation 3043744 (VCV003043744.2), dbSNP rs149929003, ClinGen allele CA2370479.
Genomic context (GRCh38, chr3:47,852,890, plus strand): 5'-AGCCCGAGTTGGGGCCGCCAGGGAAGTGTGGGGGGCGGGAGACAATGTCGGCCCCGTGGT[C>T]GGTGCGGGCCCTGGCATTTGCCCGGAACGTCAGCCTGTAGGTCTCAATCTGCAGTGACAT-3'

ClinVar aggregate classification (germline): Likely benign (0 of 4 stars; one submission).

Conditions:
MAP4-related disorder. Also called: MAP4-related condition.

Allele frequency attached by ClinVar (database versions not stated): TOPMed 0.00147; gnomAD 0.00157; gnomAD exomes 0.00238; ESP Exome Variant Server 0.00153; 1000 Genomes Project 0.00060; ExAC 0.00367.
gnomAD v4.1: 3,726 of 1,596,158 alleles (0.23%); highest among the groups gnomAD compares: Non-Finnish European, 0.27%; 8 homozygotes.

Submission:

PreventionGenetics, part of Exact Sciences
Classification: Likely benign for MAP4-related condition. Last evaluated: 2022-12-05. Review status: no assertion criteria provided. Collection method: clinical testing. Allele origin: germline.
Comment: This variant is classified as likely benign based on ACMG/AMP sequence variant interpretation guidelines (Richards et al. 2015 PMID: 25741868, with internal and published modifications).